The following is an entry in ClinVar:

NM_015896.4(ZMYND10):c.1177C>G (p.Arg393Gly)

Gene: ZMYND10 (zinc finger MYND-type containing 10; minus strand). Cytogenetic location: 3p21.31.
Variant type: single nucleotide variant.
Coding change: c.1177C>G on transcript NM_015896.4 (MANE Select); coding-DNA position 1177, C replaced by G.
Protein change: p.Arg393Gly; replaces arginine 393 with glycine.
Molecular consequence: missense variant.
Genome position (GRCh38, 1-based): chr3:50,341,644, G>C on the plus strand (C>G on the coding strand, the complement: ZMYND10 is on the minus strand). VCF-style: chr3-50341644-G-C. GRCh37 (hg19) VCF-style: chr3-50379075-G-C.
Other names: c.1162C>G, p.Arg388Gly (NM_001308379.2); short protein forms R393G, R388G.
Identifiers: ClinVar variation 2161703 (VCV002161703.4), dbSNP rs587740488, ClinGen allele CA74630536.

ClinVar aggregate classification (germline): Uncertain significance (1 of 4 stars; one submission).

Conditions:
Primary ciliary dyskinesia. Also called: Ciliary dyskinesia. Identifiers: Orphanet 244, MedGen C0008780, MONDO:0016575, HP:0012265.

Allele frequency attached by ClinVar (database versions not stated): 1000 Genomes Project 30x 0.00016; 1000 Genomes Project 0.00020.

Submission:

Labcorp Genetics (formerly Invitae), Labcorp
Classification: Uncertain significance for Primary ciliary dyskinesia. Last evaluated: 2022-08-06. Review status: criteria provided, single submitter. Criteria: Invitae Variant Classification Sherloc (09022015). Collection method: clinical testing. Allele origin: germline.
Comment: In summary, the available evidence is currently insufficient to determine the role of this variant in disease. Therefore, it has been classified as a Variant of Uncertain Significance. Algorithms developed to predict the effect of missense changes on protein structure and function are either unavailable or do not agree on the potential impact of this missense change (SIFT: "Deleterious"; PolyPhen-2: "Benign"; Align-GVGD: "Class C0"). This variant has not been reported in the literature in individuals affected with ZMYND10-related conditions. This variant is present in population databases (rs587740488, gnomAD 0.003%). This sequence change replaces arginine, which is basic and polar, with glycine, which is neutral and non-polar, at codon 393 of the ZMYND10 protein (p.Arg393Gly).